The following is an entry in ClinVar:

NM_005876.5(SPEG):c.2021C>T (p.Pro674Leu)

Gene: SPEG (striated muscle enriched protein kinase; plus strand). Cytogenetic location: 2q35.
Variant type: single nucleotide variant.
Coding change: c.2021C>T on transcript NM_005876.5 (MANE Select); coding-DNA position 2021, C replaced by T.
Protein change: p.Pro674Leu; replaces proline 674 with leucine.
Molecular consequence: missense variant.
Genome position (GRCh38, 1-based): chr2:219,449,179, C>T. VCF-style: chr2-219449179-C-T. GRCh37 (hg19) VCF-style: chr2-220313901-C-T.
Other names: short protein forms P674L.
Identifiers: ClinVar variation 3626231 (VCV003626231.1).

ClinVar aggregate classification (germline): Uncertain significance (1 of 4 stars; one submission).

gnomAD v4.1: 10 of 1,394,120 alleles (0.00072%); highest among the groups gnomAD compares: Non-Finnish European, 0.00084%; no homozygotes.

Submission:

Labcorp Genetics (formerly Invitae), Labcorp
Classification: Uncertain significance. Last evaluated: 2024-06-08. Review status: criteria provided, single submitter. Criteria: Invitae Variant Classification Sherloc (09022015). Collection method: clinical testing. Allele origin: germline.
Comment: This sequence change replaces proline, which is neutral and non-polar, with leucine, which is neutral and non-polar, at codon 674 of the SPEG protein (p.Pro674Leu). This variant is not present in population databases (gnomAD no frequency). This variant has not been reported in the literature in individuals affected with SPEG-related conditions. Algorithms developed to predict the effect of missense changes on protein structure and function output the following: SIFT: "Not Available"; PolyPhen-2: "Benign"; Align-GVGD: "Not Available". The leucine amino acid residue is found in multiple mammalian species, which suggests that this missense change does not adversely affect protein function. In summary, the available evidence is currently insufficient to determine the role of this variant in disease. Therefore, it has been classified as a Variant of Uncertain Significance.